The following is an entry in ClinVar:

ClinVar aggregate classification (germline): Uncertain significance (1 of 4 stars; one submission).

Allele frequency attached by ClinVar (database versions not stated): gnomAD 0.00001; ExAC 0.00002; gnomAD exomes 0.00002; TOPMed 0.00002; ESP Exome Variant Server 0.00015.
gnomAD v4.1: 15 of 1,613,964 alleles (0.00093%); highest among the groups gnomAD compares: East Asian, 0.0045%; no homozygotes.

Submission:

Labcorp Genetics (formerly Invitae), Labcorp
Classification: Uncertain significance. Last evaluated: 2025-02-17. Review status: criteria provided, single submitter. Criteria: Invitae Variant Classification Sherloc (09022015). Collection method: clinical testing. Allele origin: germline.
Comment: This sequence change replaces glycine, which is neutral and non-polar, with serine, which is neutral and polar, at codon 94 of the MAPKAPK3 protein (p.Gly94Ser). This variant is present in population databases (rs143980632, gnomAD 0.006%). This variant has not been reported in the literature in individuals affected with MAPKAPK3-related conditions. ClinVar contains an entry for this variant (Variation ID: 1037772). An algorithm developed to predict the effect of missense changes on protein structure and function (PolyPhen-2) suggests that this variant is likely to be tolerated. In summary, the available evidence is currently insufficient to determine the role of this variant in disease. Therefore, it has been classified as a Variant of Uncertain Significance.

NM_001243925.2(MAPKAPK3):c.280G>A (p.Gly94Ser)

Gene: MAPKAPK3 (MAPK activated protein kinase 3; plus strand). Cytogenetic location: 3p21.2.
Variant type: single nucleotide variant.
Coding change: c.280G>A on transcript NM_001243925.2 (MANE Select); coding-DNA position 280, G replaced by A.
Protein change: p.Gly94Ser; replaces glycine 94 with serine.
Molecular consequence: missense variant.
Genome position (GRCh38, 1-based): chr3:50,640,426, G>A. VCF-style: chr3-50640426-G-A. GRCh37 (hg19) VCF-style: chr3-50677857-G-A.
Other names: c.280G>A, p.Gly94Ser (NM_001243926.2, NM_004635.5); short protein forms G94S.
Identifiers: ClinVar variation 1037772 (VCV001037772.5), dbSNP rs143980632, ClinGen allele CA2420207.